The following is an entry in ClinVar:

NC_000007.13:g.(?_16415707)_(16415876_?)del

Gene: CRPPA (CDP-L-ribitol pyrophosphorylase A; minus strand). Cytogenetic location: 7p21.2.
Variant type: Deletion.
Identifiers: ClinVar variation 1066858 (VCV001066858.1).

ClinVar aggregate classification (germline): Likely pathogenic (1 of 4 stars; one submission).

Conditions:
Muscular dystrophy-dystroglycanopathy (congenital with brain and eye anomalies), type A, 7. Also called: WALKER-WARBURG SYNDROME OR MUSCLE-EYE-BRAIN DISEASE, ISPD-RELATED; Congenital muscular dystrophy-dystroglycanopathy with brain and eye anomalies, type A7. Identifiers: Orphanet 899, MedGen C3553330, MONDO:0013835, OMIM 614643.
Autosomal recessive limb-girdle muscular dystrophy type 2U. Also called: Muscular dystrophy-dystroglycanopathy (limb-girdle), type c, 7; MUSCULAR DYSTROPHY, LIMB-GIRDLE, TYPE 2U. Identifiers: Orphanet 352479, MedGen C5190987, MONDO:0014474, OMIM 616052.

Submission:

Labcorp Genetics (formerly Invitae), Labcorp
Classification: Likely pathogenic for Muscular dystrophy-dystroglycanopathy (congenital with brain and eye anomalies), type A, 7; Autosomal recessive limb-girdle muscular dystrophy type 2U. Last evaluated: 2020-08-20. Review status: criteria provided, single submitter. Criteria: Invitae Variant Classification Sherloc (09022015). Collection method: clinical testing. Allele origin: germline.
Comment: This variant is an in-frame deletion of the genomic region encompassing exon 3 of the ISPD gene. It preserves the integrity of the reading frame. A similar deletion of exon 3 has been observed in individual(s) with Walker-Warburg syndrome (PMID: 22522420). Experimental studies and prediction algorithms are not available or were not evaluated, and the functional significance of this variant is currently unknown. In summary, the currently available evidence indicates that the variant is pathogenic, but additional data are needed to prove that conclusively. Therefore, this variant has been classified as Likely Pathogenic.

Literature cited by the submitters: PubMed 22522420.